The following is an entry in ClinVar:

NM_001145026.2(PTPRQ):c.3890A>G (p.Lys1297Arg)

Gene: PTPRQ (protein tyrosine phosphatase receptor type Q; plus strand). Cytogenetic location: 12q21.31.
Variant type: single nucleotide variant.
Coding change: c.3890A>G on transcript NM_001145026.2 (MANE Select); coding-DNA position 3890, A replaced by G.
Protein change: p.Lys1297Arg; replaces lysine 1297 with arginine.
Molecular consequence: missense variant.
Genome position (GRCh38, 1-based): chr12:80,546,572, A>G. VCF-style: chr12-80546572-A-G. GRCh37 (hg19) VCF-style: chr12-80940351-A-G.
Other names: short protein forms K1297R.
Identifiers: ClinVar variation 1300564 (VCV001300564.25), dbSNP rs769149889, ClinGen allele CA6702678.

ClinVar aggregate classification (germline): Uncertain significance. Review status: criteria provided, multiple submitters, no conflicts (2 of 4 stars). 2 submissions from 2 submitters: Uncertain significance (2). Last evaluated 2026-10-21.

Allele frequency attached by ClinVar (database versions not stated): ExAC 0.00005; gnomAD exomes 0.00013 and 0.00039; gnomAD 0.00018 and 0.00019; TOPMed 0.00022.
gnomAD v4.1: 581 of 1,548,478 alleles (0.038%); highest among the groups gnomAD compares: Non-Finnish European, 0.047%; no homozygotes.

Submissions (2):

GeneDx
Classification: Uncertain significance. Last evaluated: 2026-10-21. Review status: criteria provided, single submitter. Criteria: GeneDx Variant Classification Process June 2021. Collection method: clinical testing. Allele origin: germline.
Comment: In silico analysis suggests that this missense variant does not alter protein structure/function; Has not been previously published as pathogenic or benign to our knowledge

CeGaT Center for Human Genetics Tuebingen
Classification: Uncertain significance. Last evaluated: 2026-08-01. Review status: criteria provided, single submitter. Criteria: CeGaT Center For Human Genetics Tuebingen Variant Classification Criteria Version 2. Collection method: clinical testing. Allele origin: germline. Affected: yes. Observed: 2 variant alleles.
Comment: PTPRQ: PM2, BP4